The following is an entry in ClinVar:

NM_003803.4(MYOM1):c.4192A>G (p.Ile1398Val)

Gene: MYOM1 (myomesin 1; minus strand). Cytogenetic location: 18p11.31.
Variant type: single nucleotide variant.
Coding change: c.4192A>G on transcript NM_003803.4 (MANE Select); coding-DNA position 4192, A replaced by G.
Protein change: p.Ile1398Val; replaces isoleucine 1398 with valine.
Molecular consequence: missense variant.
Genome position (GRCh38, 1-based): chr18:3,086,097, T>C on the plus strand (A>G on the coding strand, the complement: MYOM1 is on the minus strand). VCF-style: chr18-3086097-T-C. GRCh37 (hg19) VCF-style: chr18-3086095-T-C.
Other names: c.3904A>G, p.Ile1302Val (NM_019856.2); short protein forms I1302V, I1398V.
Identifiers: ClinVar variation 3401860 (VCV003401860.1).
Genomic context (GRCh38, chr18:3,086,097, plus strand): 5'-CCTCTGTTATAAGCAGGGTACATATACCATCCTTAAAGTCATGCTTTTCATCCACTGATA[T>C]CTCCCTCTCATCTTTGTACCACACAATATGAGTCTCCTTCTTAATATTTGCCACCTAGGA-3'
Protein context (NP_003794.3, residues 1388-1408): HIVWYKDERE[Ile1398Val]SVDEKHDFKD

ClinVar aggregate classification (germline): Uncertain significance (1 of 4 stars; one submission).

gnomAD v4.1: 9 of 1,612,120 alleles (0.00056%); highest among the groups gnomAD compares: Non-Finnish European, 0.00076%; no homozygotes.

Submission:

Ambry Genetics
Classification: Uncertain significance. Last evaluated: 2024-10-24. Review status: criteria provided, single submitter. Criteria: Ambry Variant Classification Scheme 2023. Collection method: clinical testing. Allele origin: germline.
Comment: The p.I1398V variant (also known as c.4192A>G), located in coding exon 29 of the MYOM1 gene, results from an A to G substitution at nucleotide position 4192. The isoleucine at codon 1398 is replaced by valine, an amino acid with highly similar properties. This amino acid position is conserved. In addition, this alteration is predicted to be tolerated by in silico analysis. Based on the available evidence, the clinical significance of this variant remains unclear.